The following is an entry in ClinVar:

ClinVar aggregate classification (germline): Uncertain significance. Review status: criteria provided, multiple submitters, no conflicts (2 of 4 stars). 2 submissions from 2 submitters: Uncertain significance (2). Last evaluated 2024-10-22.

Conditions:
Adams-Oliver syndrome 5 (AOS5). Identifiers: Orphanet 974, MedGen C4014970, MONDO:0014459, OMIM 616028.
Familial thoracic aortic aneurysm and aortic dissection (TAAD). Also called: Thoracic aortic aneurysms and dissections. Identifiers: Orphanet 91387, MedGen C4707243, MONDO:0019625.

Allele frequency attached by ClinVar (database versions not stated): gnomAD exomes below 0.00001; gnomAD 0.00002; TOPMed 0.00006.
gnomAD v4.1: 5 of 1,612,848 alleles (0.00031%); highest among the groups gnomAD compares: Admixed American, 0.0083%; no homozygotes.

Submissions (2):

Labcorp Genetics (formerly Invitae), Labcorp
Classification: Uncertain significance for Adams-Oliver syndrome 5. Last evaluated: 2024-10-22. Review status: criteria provided, single submitter. Criteria: Invitae Variant Classification Sherloc (09022015). Collection method: clinical testing. Allele origin: germline.
Comment: This sequence change replaces glutamine, which is neutral and polar, with lysine, which is basic and polar, at codon 1684 of the NOTCH1 protein (p.Gln1684Lys). This variant is not present in population databases (gnomAD no frequency). This variant has not been reported in the literature in individuals affected with NOTCH1-related conditions. ClinVar contains an entry for this variant (Variation ID: 1045800). Invitae Evidence Modeling of protein sequence and biophysical properties (such as structural, functional, and spatial information, amino acid conservation, physicochemical variation, residue mobility, and thermodynamic stability) indicates that this missense variant is not expected to disrupt NOTCH1 protein function with a negative predictive value of 80%. In summary, the available evidence is currently insufficient to determine the role of this variant in disease. Therefore, it has been classified as a Variant of Uncertain Significance.

Ambry Genetics
Classification: Uncertain significance for Familial thoracic aortic aneurysm and aortic dissection. Last evaluated: 2024-01-19. Review status: criteria provided, single submitter. Criteria: Ambry Variant Classification Scheme 2023. Collection method: clinical testing. Allele origin: germline.

NM_017617.5(NOTCH1):c.5050C>A (p.Gln1684Lys)

Gene: NOTCH1 (notch receptor 1; minus strand). Cytogenetic location: 9q34.3.
Variant type: single nucleotide variant.
Coding change: c.5050C>A on transcript NM_017617.5 (MANE Select); coding-DNA position 5050, C replaced by A.
Protein change: p.Gln1684Lys; replaces glutamine 1684 with lysine.
Molecular consequence: missense variant.
Genome position (GRCh38, 1-based): chr9:136,503,299, G>T on the plus strand (C>A on the coding strand, the complement: NOTCH1 is on the minus strand). VCF-style: chr9-136503299-G-T. GRCh37 (hg19) VCF-style: chr9-139397751-G-T.
Other names: c.5050C>A (NM_017617.3); short protein forms Q1684K.
Identifiers: ClinVar variation 1045800 (VCV001045800.10), dbSNP rs1843029493, ClinGen allele CA375642415.